The following is an entry in ClinVar:

NM_133510.4(RAD51B):c.698A>G (p.Lys233Arg)

Gene: RAD51B (RAD51 paralog B; plus strand). Cytogenetic location: 14q24.1.
Variant type: single nucleotide variant.
Coding change: c.698A>G on transcript NM_133510.4 (MANE Select); coding-DNA position 698, A replaced by G.
Protein change: p.Lys233Arg; replaces lysine 233 with arginine.
Molecular consequence: missense variant.
Genome position (GRCh38, 1-based): chr14:67,887,146, A>G. VCF-style: chr14-67887146-A-G. GRCh37 (hg19) VCF-style: chr14-68353863-A-G.
Other names: c.698A>G, p.Lys233Arg (NM_001321821.2, NM_002877.6, NM_133509.5 and 6 more transcripts); c.584A>G, p.Lys195Arg (NM_001321815.1); c.341A>G, p.Lys114Arg (NM_001321817.2); short protein forms K233R, K114R, K195R.
Identifiers: ClinVar variation 4149868 (VCV004149868.1).

ClinVar aggregate classification (germline): Uncertain significance (1 of 4 stars; one submission).

gnomAD v4.1: 2 of 1,612,306 alleles (0.00012%); highest among the groups gnomAD compares: Non-Finnish European, 0.00017%; no homozygotes.

Submission:

Ambry Genetics
Classification: Uncertain significance. Last evaluated: 2025-09-11. Review status: criteria provided, single submitter. Criteria: Ambry Variant Classification Scheme 2023. Collection method: clinical testing. Allele origin: germline.
Comment: The p.K233R variant (also known as c.698A>G), located in coding exon 6 of the RAD51B gene, results from an A to G substitution at nucleotide position 698. The lysine at codon 233 is replaced by arginine, an amino acid with highly similar properties. This amino acid position is conserved. In addition, this alteration is predicted to be tolerated by in silico analysis. Based on the available evidence, the clinical significance of this variant remains unclear.